The following is an entry in ClinVar:

ClinVar aggregate classification (germline): Conflicting classifications of pathogenicity. Review status: criteria provided, conflicting classifications (1 of 4 stars). 4 submissions from 4 submitters: Uncertain significance (3); Likely benign (1). Last evaluated 2026-05-11.

Conditions:
Cardiomyopathy (CMYO). Also called: Cardiomyopathies. Identifiers: Orphanet 167848, MedGen C0878544, MONDO:0004994, HP:0001638. Inheritance: Various modes of inheritance.
TTN-related disorder. Also called: TTN-related condition; TTN-related disease; TTN-related disorders.

Allele frequency attached by ClinVar (database versions not stated): ExAC 0.00002; gnomAD exomes 0.00002 and 0.00004; gnomAD 0.00003 and 0.00004; TOPMed 0.00008.
gnomAD v4.1: 32 of 1,612,836 alleles (0.002%); highest among the groups gnomAD compares: Admixed American, 0.01%; no homozygotes.

Submissions (4):

PreventionGenetics, part of Exact Sciences
Classification: Uncertain significance for TTN-related condition. Last evaluated: 2026-05-11. Review status: criteria provided, single submitter. Criteria: ACMG Guidelines, 2015. Collection method: clinical testing. Allele origin: germline.
Comment: The TTN c.2840C>T variant is predicted to result in the amino acid substitution p.Ser947Leu. To our knowledge, this variant has not been reported in the literature. This variant is reported in 0.012% of alleles in individuals of African descent in gnomAD. At this time, the clinical significance of this variant is uncertain due to the absence of conclusive functional and genetic evidence.

CHEO Genetics Diagnostic Laboratory, Children's Hospital of Eastern Ontario
Classification: Likely benign for Cardiomyopathy. Last evaluated: 2022-03-30. Review status: criteria provided, single submitter. Criteria: ACMG Guidelines, 2015. Collection method: clinical testing. Allele origin: germline.

Women's Health and Genetics/Laboratory Corporation of America, LabCorp
Classification: Uncertain significance. Last evaluated: 2019-09-16. Review status: criteria provided, single submitter. Criteria: LabCorp Variant Classification Summary - May 2015. Collection method: clinical testing. Allele origin: germline.
Comment: Variant summary: TTN c.2840C>T (p.Ser947Leu) results in a non-conservative amino acid change located near Z-disk domain of the encoded protein sequence. Three of five in-silico tools predict a benign effect of the variant on protein function. 4/4 computational tools predict no significant impact on normal splicing. However, these predictions have yet to be confirmed by functional studies. The variant allele was found at a frequency of 4.4e-05 in 251258 control chromosomes. This frequency is not significantly higher than expected for a pathogenic variant in TTN causing Cardiomyopathy (4.4e-05 vs 0.00063), allowing no conclusion about variant significance. To our knowledge, no occurrence of c.2840C>T in individuals affected with Cardiomyopathy and no experimental evidence demonstrating its impact on protein function have been reported. One clinical diagnostic laboratory has submitted clinical-significance assessments for this variant to ClinVar after 2014 without evidence for independent evaluation and classified the variant as uncertain significance. Based on the evidence outlined above, the variant was classified as uncertain significance.

Eurofins Ntd Llc (ga)
Classification: Uncertain significance. Last evaluated: 2017-05-24. Review status: criteria provided, single submitter. Criteria: EGL Classification Definitions 2015. Collection method: clinical testing. Allele origin: germline. Observed: 1 variant allele.

NM_001267550.2(TTN):c.2840C>T (p.Ser947Leu)

Gene: TTN (titin; minus strand). Cytogenetic location: 2q31.2.
Variant type: single nucleotide variant.
Coding change: c.2840C>T on transcript NM_001267550.2 (MANE Select); coding-DNA position 2840, C replaced by T.
Protein change: p.Ser947Leu; replaces serine 947 with leucine.
Molecular consequence: missense variant.
Genome position (GRCh38, 1-based): chr2:178,783,721, G>A on the plus strand (C>T on the coding strand, the complement: TTN is on the minus strand). VCF-style: chr2-178783721-G-A. GRCh37 (hg19) VCF-style: chr2-179648448-G-A.
Other names: c.2840C>T, p.Ser947Leu (NM_133378.4, NM_001256850.1, NM_133379.5); c.2702C>T, p.Ser901Leu (NM_003319.4, NM_133432.3, NM_133437.4); short protein forms S947L, S901L.
Identifiers: ClinVar variation 502201 (VCV000502201.9), dbSNP rs761200839, ClinGen allele CA2005713.